The following is an entry in ClinVar:

NM_000135.4(FANCA):c.3288G>C (p.Gln1096His)

Gene: FANCA (FA complementation group A; minus strand). Cytogenetic location: 16q24.3.
Variant type: single nucleotide variant.
Coding change: c.3288G>C on transcript NM_000135.4 (MANE Select); coding-DNA position 3288, G replaced by C.
Protein change: p.Gln1096His; replaces glutamine 1096 with histidine.
Molecular consequence: missense variant.
Genome position (GRCh38, 1-based): chr16:89,748,719, C>G on the plus strand (G>C on the coding strand, the complement: FANCA is on the minus strand). VCF-style: chr16-89748719-C-G. GRCh37 (hg19) VCF-style: chr16-89815127-C-G.
Other names: c.3288G>C (LRG_495t1); c.3288G>C, p.Gln1096His (NM_001286167.3); short protein forms Q1096H.
Identifiers: ClinVar variation 659766 (VCV000659766.9), dbSNP rs1433848980, ClinGen allele CA397486312.

ClinVar aggregate classification (germline): Uncertain significance. Review status: criteria provided, multiple submitters, no conflicts (2 of 4 stars). 4 submissions from 4 submitters: Uncertain significance (3). 1 of the submissions does not count toward it. Last evaluated 2023-04-13.

Conditions:
Fanconi anemia (FA). Also called: Fanconi's anemia. Identifiers: Orphanet 84, MedGen C0015625, MeSH D005199, MONDO:0019391.
Fanconi anemia complementation group A (FANCA). Also called: FANCA-Related Fanconi Anemia; Fanconi anemia, group A. Identifiers: Orphanet 84, MedGen C3469521, MONDO:0009215, OMIM 227650.

Allele frequency attached by ClinVar (database versions not stated): gnomAD exomes below 0.00001; TOPMed 0.00001.
gnomAD v4.1: 2 of 1,614,128 alleles (0.00012%); highest among the groups gnomAD compares: Admixed American, 0.0017%; no homozygotes.

Submissions (4):

Blueprint Genetics
Classification: Uncertain significance. Last evaluated: 2023-04-13. Review status: criteria provided, single submitter. Criteria: ACMG Guidelines, 2015. Collection method: clinical testing. Allele origin: germline.

GeneDx
Classification: Uncertain significance. Last evaluated: 2022-08-23. Review status: criteria provided, single submitter. Criteria: GeneDx Variant Classification Process June 2021. Collection method: clinical testing. Allele origin: germline. Affected: yes.
Comment: Reported in a proband with Fanconi anemia, but no other details were provided (Levran et al., 2005); Not observed at significant frequency in large population cohorts (gnomAD); In silico analysis supports that this missense variant does not alter protein structure/function; This variant is associated with the following publications: (PMID: 15643609)

Labcorp Genetics (formerly Invitae), Labcorp
Classification: Uncertain significance for Fanconi anemia. Last evaluated: 2021-08-28. Review status: criteria provided, single submitter. Criteria: Invitae Variant Classification Sherloc (09022015). Collection method: clinical testing. Allele origin: germline.
Comment: This sequence change replaces glutamine with histidine at codon 1096 of the FANCA protein (p.Gln1096His). The glutamine residue is moderately conserved and there is a small physicochemical difference between glutamine and histidine. This variant is not present in population databases (ExAC no frequency). This missense change has been observed in individual(s) with Fanconi anemia (PMID: 15643609). Algorithms developed to predict the effect of missense changes on protein structure and function (SIFT, PolyPhen-2, Align-GVGD) all suggest that this variant is likely to be tolerated. In summary, the available evidence is currently insufficient to determine the role of this variant in disease. Therefore, it has been classified as a Variant of Uncertain Significance.

Leiden Open Variation Database
Classification: Uncertain significance for Fanconi anemia complementation group A. Last evaluated: 2020-02-28. Review status: no assertion criteria provided. Collection method: curation. Allele origin: germline. Affected: yes. Not counted in ClinVar's aggregate classification.
Comment: Curator: Arleen D. Auerbach. Submitter to LOVD: Arleen D. Auerbach.

Literature cited by the submitters: PubMed 15643609 (cited by Labcorp Genetics (formerly Invitae), Labcorp).